The following is an entry in ClinVar:

NM_005334.3(HCFC1):c.2636-16G>T

Gene: HCFC1 (host cell factor C1; minus strand). Cytogenetic location: Xq28.
Variant type: single nucleotide variant.
Coding change: c.2636-16G>T on transcript NM_005334.3 (MANE Select); 16 bases into the intron before coding-DNA position 2636, G replaced by T.
Molecular consequence: intron variant.
Genome position (GRCh38, 1-based): chrX:153,956,427, C>A on the plus strand (G>T on the coding strand, the complement: HCFC1 is on the minus strand). VCF-style: chrX-153956427-C-A. GRCh37 (hg19) VCF-style: chrX-153221878-C-A.
Identifiers: ClinVar variation 509837 (VCV000509837.5), dbSNP rs782607911, ClinGen allele CA10557293.

ClinVar aggregate classification (germline): Likely benign. Review status: criteria provided, multiple submitters, no conflicts (2 of 4 stars). 3 submissions from 3 submitters: Likely benign (3). Last evaluated 2025-01-30.

Conditions:
Methylmalonic acidemia with homocystinuria, type cblX (MAHCX). Also called: INTELLECTUAL DEVELOPMENTAL DISORDER, X-LINKED 3. Identifiers: Orphanet 369962, MedGen C0796208, MONDO:0010657, OMIM 309541.

Allele frequency attached by ClinVar (database versions not stated): TOPMed below 0.00001; gnomAD exomes 0.00001; ExAC 0.00002.
gnomAD v4.1: 8 of 1,196,143 alleles (0.00067%); highest among the groups gnomAD compares: Non-Finnish European, 0.00091%; no homozygotes.

Submissions (3):

Labcorp Genetics (formerly Invitae), Labcorp
Classification: Likely benign for Methylmalonic acidemia with homocystinuria, type cblX. Last evaluated: 2025-01-30. Review status: criteria provided, single submitter. Criteria: Invitae Variant Classification Sherloc (09022015). Collection method: clinical testing. Allele origin: germline.

Blueprint Genetics
Classification: Likely benign. Last evaluated: 2024-08-05. Review status: criteria provided, single submitter. Criteria: ACMG Guidelines, 2015. Collection method: clinical testing. Allele origin: germline.

GeneDx
Classification: Likely benign. Last evaluated: 2017-06-08. Review status: criteria provided, single submitter. Criteria: GeneDx Variant Classification (06012015). Collection method: clinical testing. Allele origin: germline. Affected: yes.
Comment: This variant is considered likely benign or benign based on one or more of the following criteria: it is a conservative change, it occurs at a poorly conserved position in the protein, it is predicted to be benign by multiple in silico algorithms, and/or has population frequency not consistent with disease.